The following is an entry in ClinVar:

ClinVar aggregate classification (germline): Uncertain significance. Review status: criteria provided, multiple submitters, no conflicts (2 of 4 stars). 2 submissions from 2 submitters: Uncertain significance (2). Last evaluated 2024-02-13.

Conditions:
Inborn genetic diseases. Identifiers: MedGen C0950123, MeSH D030342.
LAMA2-related muscular dystrophy (LAMA2-RD). Also called: Laminin alpha 2-related dystrophy. Identifiers: MedGen C5679788, MONDO:0100228.

Allele frequency attached by ClinVar (database versions not stated): gnomAD exomes 0.00001; ExAC 0.00002.
gnomAD v4.1: 7 of 1,613,278 alleles (0.00043%); highest among the groups gnomAD compares: Non-Finnish European, 0.00059%; no homozygotes.

Submissions (2):

Ambry Genetics
Classification: Uncertain significance for Inborn genetic diseases. Last evaluated: 2024-02-13. Review status: criteria provided, single submitter. Criteria: Ambry Variant Classification Scheme 2023. Collection method: clinical testing. Allele origin: germline.

Labcorp Genetics (formerly Invitae), Labcorp
Classification: Uncertain significance for LAMA2-related muscular dystrophy. Last evaluated: 2021-09-02. Review status: criteria provided, single submitter. Criteria: Invitae Variant Classification Sherloc (09022015). Collection method: clinical testing. Allele origin: germline.
Comment: This sequence change replaces threonine with alanine at codon 2972 of the LAMA2 protein (p.Thr2972Ala). The threonine residue is weakly conserved and there is a small physicochemical difference between threonine and alanine. This variant is present in population databases (rs770700904, ExAC 0.004%). This variant has not been reported in the literature in individuals affected with LAMA2-related conditions. Algorithms developed to predict the effect of missense changes on protein structure and function (SIFT, PolyPhen-2, Align-GVGD) all suggest that this variant is likely to be tolerated. In summary, the available evidence is currently insufficient to determine the role of this variant in disease. Therefore, it has been classified as a Variant of Uncertain Significance.

NM_000426.4(LAMA2):c.8914A>G (p.Thr2972Ala)

Gene: LAMA2 (laminin subunit alpha 2; plus strand). Cytogenetic location: 6q22.33.
Variant type: single nucleotide variant.
Coding change: c.8914A>G on transcript NM_000426.4 (MANE Select); coding-DNA position 8914, A replaced by G.
Protein change: p.Thr2972Ala; replaces threonine 2972 with alanine.
Molecular consequence: missense variant.
Genome position (GRCh38, 1-based): chr6:129,512,419, A>G. VCF-style: chr6-129512419-A-G. GRCh37 (hg19) VCF-style: chr6-129833564-A-G.
Other names: c.8914A>G (NM_000426.3); c.8902A>G, p.Thr2968Ala (NM_001079823.2); short protein forms T2968A, T2972A.
Identifiers: ClinVar variation 1062797 (VCV001062797.7), dbSNP rs770700904, ClinGen allele CA3994967.